The following is an entry in ClinVar:

ClinVar aggregate classification (germline): Uncertain significance (1 of 4 stars; one submission).

Submission:

GeneDx
Classification: Uncertain significance. Last evaluated: 2023-08-08. Review status: criteria provided, single submitter. Criteria: GeneDx Variant Classification Process June 2021. Collection method: clinical testing. Allele origin: germline. Affected: yes.
Comment: Not observed at significant frequency in large population cohorts (gnomAD); In silico analysis supports that this missense variant does not alter protein structure/function; Has not been previously published as pathogenic or benign to our knowledge

NM_002609.4(PDGFRB):c.724G>T (p.Val242Leu)

Gene: PDGFRB (platelet derived growth factor receptor beta; minus strand). Cytogenetic location: 5q32.
Variant type: single nucleotide variant.
Coding change: c.724G>T on transcript NM_002609.4 (MANE Select); coding-DNA position 724, G replaced by T.
Protein change: p.Val242Leu; replaces valine 242 with leucine.
Molecular consequence: missense variant.
Genome position (GRCh38, 1-based): chr5:150,133,916, C>A on the plus strand (G>T on the coding strand, the complement: PDGFRB is on the minus strand). VCF-style: chr5-150133916-C-A. GRCh37 (hg19) VCF-style: chr5-149513479-C-A.
Other names: c.532G>T, p.Val178Leu (NM_001355016.2); c.241G>T, p.Val81Leu (NM_001355017.2); short protein forms V178L, V242L, V81L.
Identifiers: ClinVar variation 3361890 (VCV003361890.1).